The following is an entry in ClinVar:

ClinVar aggregate classification (germline): Benign/Likely benign. Review status: criteria provided, multiple submitters, no conflicts (2 of 4 stars). 4 submissions from 4 submitters: Benign (1); Likely benign (2). 1 of the submissions does not count toward it. Last evaluated 2025-11-11.

Conditions:
Hereditary cancer-predisposing syndrome. Also called: Hereditary Cancer Syndrome; Neoplastic Syndromes, Hereditary; Tumor predisposition; Hereditary neoplastic syndrome. Identifiers: Orphanet 140162, MedGen C0027672, MeSH D009386, MONDO:0015356.
Familial cancer of breast. Also called: BREAST CANCER, FAMILIAL; Hereditary breast cancer; hereditary breast carcinoma. Identifiers: Orphanet 227535, MedGen C0346153, MONDO:0016419, OMIM 114480. Disease mechanism: loss of function.

Allele frequency attached by ClinVar (database versions not stated): gnomAD exomes below 0.00001.
gnomAD v4.1: 1 of 1,614,102 alleles (0.000062%); highest among the groups gnomAD compares: Non-Finnish European, 0.000085%; no homozygotes.

Submissions (4):

Ambry Genetics
Classification: Likely benign for Hereditary cancer-predisposing syndrome. Last evaluated: 2025-11-11. Review status: criteria provided, single submitter. Criteria: Ambry Variant Classification Scheme 2023. Collection method: clinical testing. Allele origin: germline.

CeGaT Center for Human Genetics Tuebingen
Classification: Likely benign. Last evaluated: 2025-06-01. Review status: criteria provided, single submitter. Criteria: CeGaT Center For Human Genetics Tuebingen Variant Classification Criteria Version 2. Collection method: clinical testing. Allele origin: germline. Affected: yes. Observed: 1 variant allele.
Comment: PALB2: BP4, BP7

Myriad Genetics, Inc.
Classification: Benign for Familial cancer of breast. Last evaluated: 2025-01-10. Review status: criteria provided, single submitter. Criteria: Myriad Autosomal Dominant, Autosomal Recessive and X-Linked Classification Criteria (2023). Collection method: clinical testing. Allele origin: unknown.
Comment: This variant is considered benign. This variant is a silent/synonymous amino acid change and it is not expected to impact splicing.

Leiden Open Variation Database
Classification: Uncertain significance. Last evaluated: 2018-10-10. Review status: no assertion criteria provided. Collection method: curation. Allele origin: germline. Affected: yes. Not counted in ClinVar's aggregate classification.
Comment: Curators: Marc Tischkowitz, Arleen D. Auerbach. Submitter to LOVD: Yukihide Momozawa.

Literature cited by the submitters: PubMed 30287823 (cited by Leiden Open Variation Database).

NM_024675.4(PALB2):c.504A>G (p.Ser168=)

Gene: PALB2 (partner and localizer of BRCA2; minus strand). Cytogenetic location: 16p12.2.
Variant type: single nucleotide variant.
Coding change: c.504A>G on transcript NM_024675.4 (MANE Select); coding-DNA position 504, A replaced by G.
Protein change: p.Ser168=; no amino-acid change (serine 168 retained).
Molecular consequence: synonymous variant.
Genome position (GRCh38, 1-based): chr16:23,636,042, T>C on the plus strand (A>G on the coding strand, the complement: PALB2 is on the minus strand). VCF-style: chr16-23636042-T-C. GRCh37 (hg19) VCF-style: chr16-23647363-T-C.
Identifiers: ClinVar variation 830106 (VCV000830106.11), dbSNP rs754500464, ClinGen allele CA494461898.
Genomic context (GRCh38, chr16:23,636,042, plus strand): 5'-AGCAGGATTTTTGCTACTGATTTCTTCCTGTTCCTTTAGTCTTTTCCCAGACAATCTGAG[T>C]GAATCAGTGCCAAAGACACAGTCTCTCTCCTGTGAAATAAATGTCCTCTTCTGCTGCTTC-3'
Protein context (NP_078951.2, residues 158-178): QERDCVFGTD[Ser168=]LRLSGKRLKE